The following is an entry in ClinVar:

NM_017780.4(CHD7):c.8866A>G (p.Ser2956Gly)

Gene: CHD7 (chromodomain helicase DNA binding protein 7; plus strand). Cytogenetic location: 8q12.2.
Variant type: single nucleotide variant.
Coding change: c.8866A>G on transcript NM_017780.4 (MANE Select); coding-DNA position 8866, A replaced by G.
Protein change: p.Ser2956Gly; replaces serine 2956 with glycine.
Molecular consequence: missense variant.
Genome position (GRCh38, 1-based): chr8:60,865,805, A>G. VCF-style: chr8-60865805-A-G. GRCh37 (hg19) VCF-style: chr8-61778364-A-G.
Other names: c.2719A>G, p.Ser907Gly (NM_001316690.1); short protein forms S2956G, S907G.
Identifiers: ClinVar variation 2245440 (VCV002245440.4), dbSNP rs1806219828, ClinGen allele CA371312740.
Genomic context (GRCh38, chr8:60,865,805, plus strand): 5'-GAAAAGGCTGCTGACAAGGCTGAGGGAGGACCCTTTAAAGATGGAGAGACCCTTGAAGGC[A>G]GCGATGCCGAGGAGAGCCTGGATAAGACTGCAGAGTCCTCCCTCTTAGAAGACGAAATAG-3'
Protein context (NP_060250.2, residues 2946-2966): PFKDGETLEG[Ser2956Gly]DAEESLDKTA

ClinVar aggregate classification (germline): Uncertain significance. Review status: criteria provided, multiple submitters, no conflicts (2 of 4 stars). 2 submissions from 2 submitters: Uncertain significance (2). Last evaluated 2024-04-29.

Conditions:
Inborn genetic diseases. Identifiers: MedGen C0950123, MeSH D030342.
CHARGE syndrome (CHARGE). Also called: Hittner Hirsch Kreh syndrome; CHARGE ASSOCIATION--COLOBOMA, HEART ANOMALY, CHOANAL ATRESIA, RETARDATION, GENITAL AND EAR ANOMALIES; Coloboma, heart anomaly, choanal atresia, retardation, genital and ear anomalies; CHARGE association; Hall-Hittner syndrome. Identifiers: Orphanet 138, MedGen C0265354, MONDO:0008965.

Submissions (2):

Labcorp Genetics (formerly Invitae), Labcorp
Classification: Uncertain significance for CHARGE syndrome. Last evaluated: 2024-04-29. Review status: criteria provided, single submitter. Criteria: Invitae Variant Classification Sherloc (09022015). Collection method: clinical testing. Allele origin: germline.
Comment: This sequence change replaces serine, which is neutral and polar, with glycine, which is neutral and non-polar, at codon 2956 of the CHD7 protein (p.Ser2956Gly). This variant is not present in population databases (gnomAD no frequency). This variant has not been reported in the literature in individuals affected with CHD7-related conditions. ClinVar contains an entry for this variant (Variation ID: 2245440). Advanced modeling of protein sequence and biophysical properties (such as structural, functional, and spatial information, amino acid conservation, physicochemical variation, residue mobility, and thermodynamic stability) performed at Invitae indicates that this missense variant is not expected to disrupt CHD7 protein function with a negative predictive value of 95%. In summary, the available evidence is currently insufficient to determine the role of this variant in disease. Therefore, it has been classified as a Variant of Uncertain Significance.

Ambry Genetics
Classification: Uncertain significance for Inborn genetic diseases. Last evaluated: 2021-08-16. Review status: criteria provided, single submitter. Criteria: Ambry Variant Classification Scheme 2023. Collection method: clinical testing. Allele origin: germline.